The following is an entry in ClinVar:

NM_017617.5(NOTCH1):c.4013C>T (p.Ala1338Val)

Gene: NOTCH1 (notch receptor 1; minus strand). Cytogenetic location: 9q34.3.
Variant type: single nucleotide variant.
Coding change: c.4013C>T on transcript NM_017617.5 (MANE Select); coding-DNA position 4013, C replaced by T.
Protein change: p.Ala1338Val; replaces alanine 1338 with valine.
Molecular consequence: missense variant.
Genome position (GRCh38, 1-based): chr9:136,506,528, G>A on the plus strand (C>T on the coding strand, the complement: NOTCH1 is on the minus strand). VCF-style: chr9-136506528-G-A. GRCh37 (hg19) VCF-style: chr9-139400980-G-A.
Other names: c.4013C>T, p.Ala1338Val (LRG_1122t1); short protein forms A1338V.
Identifiers: ClinVar variation 520032 (VCV000520032.53), dbSNP rs1397249771, ClinGen allele CA375548540.

ClinVar aggregate classification (germline): Uncertain significance. Review status: criteria provided, multiple submitters, no conflicts (2 of 4 stars). 5 submissions from 4 submitters: Uncertain significance (5). Last evaluated 2025-12-30.

Conditions:
Adams-Oliver syndrome 5 (AOS5). Identifiers: Orphanet 974, MedGen C4014970, MONDO:0014459, OMIM 616028.
Familial thoracic aortic aneurysm and aortic dissection (TAAD). Also called: Thoracic aortic aneurysms and dissections. Identifiers: Orphanet 91387, MedGen C4707243, MONDO:0019625.
Aortic valve disease 1 (AOVD1). Identifiers: MedGen C3887892, MONDO:0024523, OMIM 109730.

Allele frequency attached by ClinVar (database versions not stated): gnomAD exomes 0.00001; gnomAD 0.00002 and 0.00003; TOPMed 0.00002.
gnomAD v4.1: 21 of 1,594,144 alleles (0.0013%); highest among the groups gnomAD compares: South Asian, 0.0023%; no homozygotes.

Submissions (5):

Labcorp Genetics (formerly Invitae), Labcorp
Classification: Uncertain significance for Adams-Oliver syndrome 5. Last evaluated: 2025-12-30. Review status: criteria provided, single submitter. Criteria: Invitae Variant Classification Sherloc (09022015). Collection method: clinical testing. Allele origin: germline.
Comment: This sequence change replaces alanine, which is neutral and non-polar, with valine, which is neutral and non-polar, at codon 1338 of the NOTCH1 protein (p.Ala1338Val). The frequency data for this variant in the population databases is considered unreliable, as metrics indicate poor data quality at this position in the gnomAD database. This variant has not been reported in the literature in individuals affected with NOTCH1-related conditions. ClinVar contains an entry for this variant (Variation ID: 520032). An algorithm developed to predict the effect of missense changes on protein structure and function (PolyPhen-2) suggests that this variant is likely to be tolerated. In summary, the available evidence is currently insufficient to determine the role of this variant in disease. Therefore, it has been classified as a Variant of Uncertain Significance.

Ambry Genetics
Classification: Uncertain significance for Familial thoracic aortic aneurysm and aortic dissection. Last evaluated: 2025-04-01. Review status: criteria provided, single submitter. Criteria: Ambry Variant Classification Scheme 2023. Collection method: clinical testing. Allele origin: germline.
Comment: The p.A1338V variant (also known as c.4013C>T), located in coding exon 24 of the NOTCH1 gene, results from a C to T substitution at nucleotide position 4013. The alanine at codon 1338 is replaced by valine, an amino acid with similar properties. This variant was not reported in population based cohorts in the following databases: Database of Single Nucleotide Polymorphisms (dbSNP), NHLBI Exome Sequencing Project (ESP), and 1000 Genomes Project. In the ESP, this variant was not observed in 6031 samples (12062 alleles) with coverage at this position. This amino acid position is poorly conserved in available vertebrate species. In addition, this alteration is predicted to be tolerated by in silico analysis. Since supporting evidence is limited at this time, the clinical significance of this variant remains unclear.

Genome-Nilou Lab
Classification: Uncertain significance for Adams-Oliver syndrome 5. Last evaluated: 2022-03-15. Review status: criteria provided, single submitter. Criteria: ACMG Guidelines, 2015. Collection method: clinical testing. Allele origin: germline. Affected: no.

Genome-Nilou Lab
Classification: Uncertain significance for Aortic valve disease 1. Last evaluated: 2022-03-15. Review status: criteria provided, single submitter. Criteria: ACMG Guidelines, 2015. Collection method: clinical testing. Allele origin: germline. Affected: no.

GeneDx
Classification: Uncertain significance. Last evaluated: 2019-05-10. Review status: criteria provided, single submitter. Criteria: GeneDx Variant Classification Process June 2021. Collection method: clinical testing. Allele origin: germline. Affected: yes.
Comment: Has not been previously published as pathogenic or benign to our knowledge; Not observed at a significant frequency in large population cohorts (Lek et al., 2016); In silico analysis, which includes protein predictors and evolutionary conservation, supports that this variant does not alter protein structure/function